The following is an entry in ClinVar:

ClinVar aggregate classification (germline): Uncertain significance (1 of 4 stars; one submission).

Conditions:
Intellectual developmental disorder, autosomal dominant 1. Also called: Intellectual disability, autosomal dominant 1; MBD5 Haploinsufficiency. Identifiers: Orphanet 228402, MedGen C1969562, MONDO:0007974, OMIM 156200.

Submission:

Labcorp Genetics (formerly Invitae), Labcorp
Classification: Uncertain significance for Intellectual developmental disorder, autosomal dominant 1. Last evaluated: 2022-10-21. Review status: criteria provided, single submitter. Criteria: Invitae Variant Classification Sherloc (09022015). Collection method: clinical testing. Allele origin: germline.
Comment: Advanced modeling of protein sequence and biophysical properties (such as structural, functional, and spatial information, amino acid conservation, physicochemical variation, residue mobility, and thermodynamic stability) performed at Invitae indicates that this missense variant is not expected to disrupt MBD5 protein function. In summary, the available evidence is currently insufficient to determine the role of this variant in disease. Therefore, it has been classified as a Variant of Uncertain Significance. This variant has not been reported in the literature in individuals affected with MBD5-related conditions. This sequence change replaces glutamic acid, which is acidic and polar, with glutamine, which is neutral and polar, at codon 6 of the MBD5 protein (p.Glu6Gln). This variant is not present in population databases (gnomAD no frequency).

NM_001378120.1(MBD5):c.16G>C (p.Glu6Gln)

Gene: MBD5 (methyl-CpG binding domain protein 5; plus strand). Cytogenetic location: 2q23.1.
Variant type: single nucleotide variant.
Coding change: c.16G>C on transcript NM_001378120.1 (MANE Select); coding-DNA position 16, G replaced by C.
Protein change: p.Glu6Gln; replaces glutamic acid 6 with glutamine.
Molecular consequence: missense variant.
Genome position (GRCh38, 1-based): chr2:148,458,774, G>C. VCF-style: chr2-148458774-G-C. GRCh37 (hg19) VCF-style: chr2-149216343-G-C.
Other names: c.16G>C, p.Glu6Gln (NM_018328.5); short protein forms E6Q.
Identifiers: ClinVar variation 1721982 (VCV001721982.6), dbSNP rs2469777399, ClinGen allele CA348715289.